The following is an entry in ClinVar:

ClinVar aggregate classification (germline): Pathogenic (1 of 4 stars; one submission).

Conditions:
Tuberous sclerosis 2 (TSC2). Identifiers: Orphanet 805, MedGen C1860707, MONDO:0013199, OMIM 613254.

Submission:

Labcorp Genetics (formerly Invitae), Labcorp
Classification: Pathogenic for Tuberous sclerosis 2. Last evaluated: 2024-02-25. Review status: criteria provided, single submitter. Criteria: Invitae Variant Classification Sherloc (09022015). Collection method: clinical testing. Allele origin: germline.
Comment: This sequence change creates a premature translational stop signal (p.Glu392Argfs*33) in the TSC2 gene. It is expected to result in an absent or disrupted protein product. Loss-of-function variants in TSC2 are known to be pathogenic (PMID: 10205261, 17304050). This variant is not present in population databases (gnomAD no frequency). This variant has not been reported in the literature in individuals affected with TSC2-related conditions. Algorithms developed to predict the effect of sequence changes on RNA splicing suggest that this variant may disrupt the consensus splice site. For these reasons, this variant has been classified as Pathogenic.

Literature cited by the submitters: PubMed 10205261; PubMed 17304050.

NM_000548.5(TSC2):c.1174del (p.Glu392fs)

Gene: TSC2 (TSC complex subunit 2; plus strand). Cytogenetic location: 16p13.3.
Variant type: Deletion.
Coding change: c.1174del on transcript NM_000548.5 (MANE Select); coding-DNA position 1174, one base deleted (G; older notation c.1174delG).
Protein change: p.Glu392fs; shifts the reading frame from glutamic acid 392.
Molecular consequence: frameshift variant. On other transcripts: 5 prime UTR variant (10), non-coding transcript variant (5).
Genome position (GRCh38, 1-based): chr16:2,061,925, G deleted; the last of 2 consecutive G bases (chr16:2,061,924-2,061,925); deleting either gives the same sequence. VCF-style (leftmost placement, unchanged base first): chr16-2061923-TG-T. GRCh37 (hg19) VCF-style: chr16-2111924-TG-T.
Other names: c.574del, p.Glu192fs (NM_001406685.1, NM_001406686.1, NM_001406687.1 and 6 more transcripts); c.-171del (NM_001406689.1, NM_001406690.1, NM_001406691.1 and 4 more transcripts); c.-139del (NM_001406694.1, NM_001406695.1); c.1117del, p.Glu373fs (NM_001406677.1); c.1063del, p.Glu355fs (NM_001406678.1, NM_001406670.1, NM_001318827.2); c.1027del, p.Glu343fs (NM_001406679.1, NM_001406675.1, NM_001406676.1 and 1 more transcripts); c.712del, p.Glu238fs (NM_001406681.1); c.1174del, p.Glu392fs (NM_001077183.3, NM_001406665.1, NM_021055.3 and 6 more transcripts); and 4 more; short protein forms E388fs, E403fs, E192fs, E355fs, E238fs, E373fs, E422fs, E343fs.
Identifiers: ClinVar variation 3643184 (VCV003643184.2).
Genomic context (GRCh38, chr16:2,061,923, plus strand): 5'-TACTGCAGACCTTGGACAGCCCGGAGCTCAGGACCATCGTCCATGACCTGTTGACCACGG[TG>T]GAGGAGCTGTGTGACCAGAACGAGTTCCACGGGTCTCAGGAGAGATACTTTGAACTGGTG-3'